The following is an entry in ClinVar:

NM_000092.5(COL4A4):c.4705T>G (p.Cys1569Gly)

Gene: COL4A4 (collagen type IV alpha 4 chain; minus strand). Cytogenetic location: 2q36.3.
Variant type: single nucleotide variant.
Coding change: c.4705T>G on transcript NM_000092.5 (MANE Select); coding-DNA position 4705, T replaced by G.
Protein change: p.Cys1569Gly; replaces cysteine 1569 with glycine.
Molecular consequence: missense variant.
Genome position (GRCh38, 1-based): chr2:227,008,122, A>C on the plus strand (T>G on the coding strand, the complement: COL4A4 is on the minus strand). VCF-style: chr2-227008122-A-C. GRCh37 (hg19) VCF-style: chr2-227872838-A-C.
Other names: short protein forms C1569G.
Identifiers: ClinVar variation 3377452 (VCV003377452.1).
Genomic context (GRCh38, chr2:227,008,122, plus strand): 5'-GACATGGGGGGATGGACTGGTCCTGGCTGTGCACCGCCACCGCCTGGGCCGGGGCCTCGC[A>C]TACCGCACAGCGGCTGACATAGGGGCGGATCGCCTCTTCAGAGAGTGGCATCATGGGGAG-3'
Protein context (NP_000083.3, residues 1559-1579): IRPYVSRCAV[Cys1569Gly]EAPAQAVAVH

ClinVar aggregate classification (germline): Uncertain significance (1 of 4 stars; one submission).

Conditions:
Alport syndrome. Also called: Hemorrhagic familial nephritis; Hemorrhagic hereditary nephritis; Congenital hereditary hematuria. Identifiers: Orphanet 63, MedGen C1567741, MONDO:0018965.

Submission:

Victorian Clinical Genetics Services, Murdoch Childrens Research Institute
Classification: Uncertain significance for Alport syndrome. Last evaluated: 2020-06-11. Review status: criteria provided, single submitter. Criteria: ACMG Guidelines, 2015. Collection method: clinical testing. Allele origin: germline. Affected: yes.
Comment: Based on the classification scheme VCGS_Germline_v1.1.1, this variant is classified as 3A-VUS. Following criteria are met: 0102 - Loss-of-function is a known mechanism of disease for this gene. (N) 0104 - Dominant Negative is a suspected mechanism of disease for this gene as it is a structural protein. (N) 0108 - This gene is known to be associated with both recessive and dominant disease. Alport syndrome typically has biallelic inheritance, although rare cases of monoallelic inheritance have been reported (PMID: 28704582). Thin basement membrane nephropathy (TBMN) and focal segmental glomerulosclerosis (FSGS) are associated with autosomal dominant inhertitance (OMIM, PMID: 16467446; 17942953). (N) 0200 - Variant is predicted to result in a missense amino acid change from a cysteine to a glycine. This variant is in exon 47 of 48 of the COL4A4 gene. (N) 0251 - Variant is heterozygous. (N) 0301 - Variant is absent from gnomAD v2 and v3. (P) 0309 - An alternative amino acid change at the same position has been observed in gnomAD v2 (1 heterozygote, 0 homozygote). (N) 0501 - Missense variant consistently predicted to be damaging by multiple in silico tools and highly conserved with a major amino acid change. (P) 0600 - Variant is located in an annotated domain or motif. The variant is located in the C-terminal tandem repeated domain in type 4 procollagen (NCBI conserved domain). (N) 0705 - No comparable variants have previous evidence for pathogenicity. (N) 0807 - Variant has not previously been reported in a clinical context. (N) 0905 - No segregation evidence has been identified for this variant in the literature. (N) 1007 - No published functional evidence has been identified for this variant in the literature. (N) 1101 - Very strong and specific phenotype match. (P) 1208 - Inheritance information for this variant is not currently available. (N) Legend: (P) - Pathogenic, (N) - Neutral, (B) - Benign

Literature cited by the submitters: PubMed 16467446; PubMed 17942953; PubMed 28704582.